The following is an entry in ClinVar:

ClinVar aggregate classification (germline): Uncertain significance (1 of 4 stars; one submission).

Conditions:
Hereditary cancer-predisposing syndrome. Also called: Hereditary neoplastic syndrome; Hereditary Cancer Syndrome; Neoplastic Syndromes, Hereditary; Tumor predisposition. Identifiers: Orphanet 140162, MedGen C0027672, MeSH D009386, MONDO:0015356.

Submission:

Ambry Genetics
Classification: Uncertain significance for Hereditary cancer-predisposing syndrome. Last evaluated: 2022-03-23. Review status: criteria provided, single submitter. Criteria: Ambry Variant Classification Scheme 2023. Collection method: clinical testing. Allele origin: germline.
Comment: The p.S131P variant (also known as c.391T>C), located in coding exon 4 of the ATM gene, results from a T to C substitution at nucleotide position 391. The serine at codon 131 is replaced by proline, an amino acid with similar properties. This amino acid position is not well conserved in available vertebrate species. In addition, this alteration is predicted to be tolerated by in silico analysis. Since supporting evidence is limited at this time, the clinical significance of this alteration remains unclear.

NM_000051.4(ATM):c.391T>C (p.Ser131Pro)

Gene: ATM (ATM serine/threonine kinase; plus strand). Cytogenetic location: 11q22.3.
Variant type: single nucleotide variant.
Coding change: c.391T>C on transcript NM_000051.4 (MANE Select); coding-DNA position 391, T replaced by C.
Protein change: p.Ser131Pro; replaces serine 131 with proline.
Molecular consequence: missense variant.
Genome position (GRCh38, 1-based): chr11:108,235,729, T>C. VCF-style: chr11-108235729-T-C. GRCh37 (hg19) VCF-style: chr11-108106456-T-C.
Other names: c.391T>C, p.Ser131Pro (NM_001351834.2); short protein forms S131P.
Identifiers: ClinVar variation 229910 (VCV000229910.5), dbSNP rs876658263, ClinGen allele CA10578956.